The following is an entry in ClinVar:

ClinVar aggregate classification (germline): Uncertain significance (1 of 4 stars; one submission).

Conditions:
Charcot-Marie-Tooth disease type 2. Also called: Charcot-Marie-Tooth type 2. Identifiers: Orphanet 64746, MedGen C0270914, MONDO:0018993.

Submission:

Labcorp Genetics (formerly Invitae), Labcorp
Classification: Uncertain significance for Charcot-Marie-Tooth disease type 2. Last evaluated: 2025-07-22. Review status: criteria provided, single submitter. Criteria: Invitae Variant Classification Sherloc (09022015). Collection method: clinical testing. Allele origin: germline.
Comment: This sequence change replaces isoleucine, which is neutral and non-polar, with phenylalanine, which is neutral and non-polar, at codon 77 of the LMNA protein (p.Ile77Phe). This variant is not present in population databases (gnomAD no frequency). This variant has not been reported in the literature in individuals affected with LMNA-related conditions. Invitae Evidence Modeling of protein sequence and biophysical properties (such as structural, functional, and spatial information, amino acid conservation, physicochemical variation, residue mobility, and thermodynamic stability) indicates that this missense variant is expected to disrupt LMNA protein function with a positive predictive value of 95%. In summary, the available evidence is currently insufficient to determine the role of this variant in disease. Therefore, it has been classified as a Variant of Uncertain Significance.

NM_170707.4(LMNA):c.229A>T (p.Ile77Phe)

Gene: LMNA (lamin A/C; plus strand). Cytogenetic location: 1q22.
Variant type: single nucleotide variant.
Coding change: c.229A>T on transcript NM_170707.4 (MANE Select); coding-DNA position 229, A replaced by T.
Protein change: p.Ile77Phe; replaces isoleucine 77 with phenylalanine.
Molecular consequence: missense variant. On other transcripts: 5 prime UTR variant (8), intron variant (2).
Genome position (GRCh38, 1-based): chr1:156,115,147, A>T. VCF-style: chr1-156115147-A-T. GRCh37 (hg19) VCF-style: chr1-156084938-A-T.
Other names: c.229A>T, p.Ile77Phe (NM_001282625.2, NM_001282626.2, NM_001406983.1 and 6 more transcripts); c.-195A>T (NM_001406986.1); c.-173A>T (NM_001406990.1, NM_001406995.1, NM_001407002.1); c.-436A>T (NM_001406994.1, NM_001407000.1); c.-616A>T (NM_001406999.1); c.-279A>T (NM_001407001.1); c.-203+8324A>T (NM_001406993.1, NM_001407003.1); short protein forms I77F.
Identifiers: ClinVar variation 4799951 (VCV004799951.1).